The following is an entry in ClinVar:

NM_001359.2(DECR1):c.258C>T (p.Cys86=)

Gene: DECR1 (2,4-dienoyl-CoA reductase 1; plus strand). Cytogenetic location: 8q21.3.
Variant type: single nucleotide variant.
Coding change: c.258C>T on transcript NM_001359.2 (MANE Select); coding-DNA position 258, C replaced by T.
Protein change: p.Cys86=; no amino-acid change (cysteine 86 retained).
Molecular consequence: synonymous variant.
Genome position (GRCh38, 1-based): chr8:90,017,312, C>T. VCF-style: chr8-90017312-C-T. GRCh37 (hg19) VCF-style: chr8-91029540-C-T.
Other names: c.231C>T, p.Cys77= (NM_001330575.2).
Identifiers: ClinVar variation 3040772 (VCV003040772.2), dbSNP rs149901486, ClinGen allele CA4803243.
Genomic context (GRCh38, chr8:90,017,312, plus strand): 5'-GGGAGGTACTGGCCTTGGTAAAGGAATGACAACTCTTCTGTCCAGCCTAGGTGCTCAGTG[C>T]GTGATAGCCAGCCGGTAAGTCCCTTACATCAAGCCTATTGGCGACGCTTTTGAAGAAACT-3'
Protein context (NP_001350.1, residues 76-96): TTLLSSLGAQ[Cys86=]VIASRKMDVL

ClinVar aggregate classification (germline): Likely benign (0 of 4 stars; one submission).

Conditions:
DECR1-related disorder. Also called: DECR1-related condition.

Allele frequency attached by ClinVar (database versions not stated): gnomAD exomes 0.00001; TOPMed 0.00003; ExAC 0.00004; gnomAD 0.00005; ESP Exome Variant Server 0.00008; 1000 Genomes Project 30x 0.00031; 1000 Genomes Project 0.00040.
gnomAD v4.1: 27 of 1,613,814 alleles (0.0017%); highest among the groups gnomAD compares: Middle Eastern, 0.033%; no homozygotes.

Submission:

PreventionGenetics, part of Exact Sciences
Classification: Likely benign for DECR1-related condition. Last evaluated: 2019-09-25. Review status: no assertion criteria provided. Collection method: clinical testing. Allele origin: germline.
Comment: This variant is classified as likely benign based on ACMG/AMP sequence variant interpretation guidelines (Richards et al. 2015 PMID: 25741868, with internal and published modifications).